The following is an entry in ClinVar:

NC_000007.13:g.(?_97488515)_(97493818_?)del

Gene: ASNS (asparagine synthetase (glutamine-hydrolyzing); minus strand). Cytogenetic location: 7q21.3.
Variant type: Deletion.
Identifiers: ClinVar variation 2427214 (VCV002427214.4).

ClinVar aggregate classification (germline): Pathogenic (1 of 4 stars; one submission).

Submission:

Labcorp Genetics (formerly Invitae), Labcorp
Classification: Pathogenic. Last evaluated: 2022-07-13. Review status: criteria provided, single submitter. Criteria: Invitae Variant Classification Sherloc (09022015). Collection method: clinical testing. Allele origin: germline.
Comment: For these reasons, this variant has been classified as Pathogenic. This variant has not been reported in the literature in individuals affected with ASNS-related conditions. This variant is a gross deletion of the genomic region encompassing exon(s) 4-5 of the ASNS gene. This deletion is out-of-frame, and is expected to create a premature termination codon and result in an absent or disrupted protein product. Loss-of-function variants in ASNS are known to be pathogenic (PMID: 27422383, 30057589).

Literature cited by the submitters: PubMed 27422383; PubMed 30057589.